The following is an entry in ClinVar:

ClinVar aggregate classification (germline): Uncertain significance (1 of 4 stars; one submission).

gnomAD v4.1: 11 of 1,614,196 alleles (0.00068%); highest among the groups gnomAD compares: Non-Finnish European, 0.00085%; no homozygotes.

Submission:

Women's Health and Genetics/Laboratory Corporation of America, LabCorp
Classification: Uncertain significance. Last evaluated: 2025-04-21. Review status: criteria provided, single submitter. Criteria: LabCorp Variant Classification Summary - May 2015. Collection method: clinical testing. Allele origin: germline.
Comment: Variant summary: LGI1 c.1025A>C (p.Asn342Thr) results in a non-conservative amino acid change in the encoded protein sequence. Three of five in-silico tools predict a damaging effect of the variant on protein function. The variant allele was found at a frequency of 2.8e-05 in 251090 control chromosomes (gnomAD). The available data on variant occurrences in the general population are insufficient to allow any conclusion about variant significance. To our knowledge, no occurrence of c.1025A>C in individuals affected with Epilepsy, Familial Temporal Lobe, 1 and no experimental evidence demonstrating its impact on protein function have been reported. No submitters have cited clinical-significance assessments for this variant to ClinVar. Based on the evidence outlined above, the variant was classified as uncertain significance.

NM_005097.4(LGI1):c.1025A>C (p.Asn342Thr)

Gene: LGI1 (leucine rich glioma inactivated 1; plus strand). Cytogenetic location: 10q23.33.
Variant type: single nucleotide variant.
Coding change: c.1025A>C on transcript NM_005097.4 (MANE Select); coding-DNA position 1025, A replaced by C.
Protein change: p.Asn342Thr; replaces asparagine 342 with threonine.
Molecular consequence: missense variant. On other transcripts: non-coding transcript variant (1), intron variant (1).
Genome position (GRCh38, 1-based): chr10:93,797,154, A>C. VCF-style: chr10-93797154-A-C. GRCh37 (hg19) VCF-style: chr10-95556911-A-C.
Other names: c.881A>C, p.Asn294Thr (NM_001308276.2); c.839-595A>C (NM_001308275.2); short protein forms N294T, N342T.
Identifiers: ClinVar variation 3896166 (VCV003896166.2).